The following is an entry in ClinVar:

NM_203446.3(SYNJ1):c.3788C>G (p.Pro1263Arg)

Gene: SYNJ1 (synaptojanin 1; minus strand). Cytogenetic location: 21q22.11.
Variant type: single nucleotide variant.
Coding change: c.3788C>G on transcript NM_203446.3 (MANE Select); coding-DNA position 3788, C replaced by G.
Protein change: p.Pro1263Arg; replaces proline 1263 with arginine.
Molecular consequence: missense variant.
Genome position (GRCh38, 1-based): chr21:32,639,035, G>C on the plus strand (C>G on the coding strand, the complement: SYNJ1 is on the minus strand). VCF-style: chr21-32639035-G-C. GRCh37 (hg19) VCF-style: chr21-34011345-G-C.
Other names: c.3740C>G, p.Pro1247Arg (NM_001160302.2); c.3647C>G, p.Pro1216Arg (NM_001160306.2); c.3905C>G, p.Pro1302Arg (NM_003895.4); short protein forms P1302R, P1216R, P1247R, P1263R.
Identifiers: ClinVar variation 1354669 (VCV001354669.8), dbSNP rs757637208, ClinGen allele CA410086986.

ClinVar aggregate classification (germline): Uncertain significance (1 of 4 stars; one submission).

Conditions:
Early-onset Parkinson disease 20. Also called: PARKINSON DISEASE 20, AUTOSOMAL RECESSIVE EARLY-ONSET. Identifiers: Orphanet 391411, MedGen C3809824, MONDO:0014233, OMIM 615530.
Developmental and epileptic encephalopathy, 53. Also called: Epileptic encephalopathy, early infantile, 53. Identifiers: MedGen C4479313, MONDO:0033362, OMIM 617389.

Submission:

Labcorp Genetics (formerly Invitae), Labcorp
Classification: Uncertain significance for Developmental and epileptic encephalopathy, 53; Early-onset Parkinson disease 20. Last evaluated: 2020-12-08. Review status: criteria provided, single submitter. Criteria: Invitae Variant Classification Sherloc (09022015). Collection method: clinical testing. Allele origin: germline.
Comment: This sequence change replaces proline with arginine at codon 1302 of the SYNJ1 protein (p.Pro1302Arg). The proline residue is moderately conserved and there is a moderate physicochemical difference between proline and arginine. This variant is not present in population databases (ExAC no frequency). This variant has not been reported in the literature in individuals with SYNJ1-related conditions. Algorithms developed to predict the effect of missense changes on protein structure and function are either unavailable or do not agree on the potential impact of this missense change (SIFT: "Tolerated"; PolyPhen-2: "Probably Damaging"; Align-GVGD: "Class C0"). In summary, the available evidence is currently insufficient to determine the role of this variant in disease. Therefore, it has been classified as a Variant of Uncertain Significance.